The following is an entry in ClinVar:

NM_006904.7(PRKDC):c.12065A>G (p.Lys4022Arg)

Gene: PRKDC (protein kinase, DNA-activated, catalytic subunit; minus strand). Cytogenetic location: 8q11.21.
Variant type: single nucleotide variant.
Coding change: c.12065A>G on transcript NM_006904.7 (MANE Select); coding-DNA position 12065, A replaced by G.
Protein change: p.Lys4022Arg; replaces lysine 4022 with arginine.
Molecular consequence: missense variant.
Genome position (GRCh38, 1-based): chr8:47,776,961, T>C on the plus strand (A>G on the coding strand, the complement: PRKDC is on the minus strand). VCF-style: chr8-47776961-T-C. GRCh37 (hg19) VCF-style: chr8-48689522-T-C.
Other names: c.11972A>G, p.Lys3991Arg (NM_001081640.2); short protein forms K4022R, K3991R.
Identifiers: ClinVar variation 1947112 (VCV001947112.3), dbSNP rs1266829264, ClinGen allele CA371127286.

ClinVar aggregate classification (germline): Uncertain significance (1 of 4 stars; one submission).

Conditions:
Severe combined immunodeficiency due to DNA-PKcs deficiency. Also called: IMMUNODEFICIENCY 26 WITH NEUROLOGIC ABNORMALITIES; Immunodeficiency 26 with or without neurologic abnormalities. Identifiers: Orphanet 317425, MedGen C4014833, MONDO:0014423, OMIM 615966.

Allele frequency attached by ClinVar (database versions not stated): TOPMed below 0.00001; gnomAD 0.00001; gnomAD exomes 0.00001.
gnomAD v4.1: 11 of 1,609,950 alleles (0.00068%); highest among the groups gnomAD compares: Non-Finnish European, 0.00093%; no homozygotes.

Submission:

Labcorp Genetics (formerly Invitae), Labcorp
Classification: Uncertain significance for Severe combined immunodeficiency due to DNA-PKcs deficiency. Last evaluated: 2022-08-21. Review status: criteria provided, single submitter. Criteria: Invitae Variant Classification Sherloc (09022015). Collection method: clinical testing. Allele origin: germline.
Comment: This sequence change replaces lysine, which is basic and polar, with arginine, which is basic and polar, at codon 4022 of the PRKDC protein (p.Lys4022Arg). This variant is present in population databases (no rsID available, gnomAD 0.002%). In summary, the available evidence is currently insufficient to determine the role of this variant in disease. Therefore, it has been classified as a Variant of Uncertain Significance. Experimental studies and prediction algorithms are not available or were not evaluated, and the functional significance of this variant is currently unknown. This variant has not been reported in the literature in individuals affected with PRKDC-related conditions.